The following is an entry in ClinVar:

ClinVar aggregate classification (germline): Likely benign. Review status: criteria provided, multiple submitters, no conflicts (2 of 4 stars). 2 submissions from 2 submitters: Likely benign (2). Last evaluated 2025-05-16.

Allele frequency attached by ClinVar (database versions not stated): gnomAD exomes below 0.00001.
gnomAD v4.1: 7 of 1,614,216 alleles (0.00043%); highest among the groups gnomAD compares: Non-Finnish European, 0.00059%; no homozygotes.

Submissions (2):

Mayo Clinic Laboratories, Mayo Clinic
Classification: Likely benign. Last evaluated: 2025-05-16. Review status: criteria provided, single submitter. Criteria: ACMG Guidelines, 2015. Collection method: clinical testing. Allele origin: germline. Observed: 1 variant allele.
Comment: BP4, BP7

ARUP Laboratories, Molecular Genetics and Genomics, ARUP Laboratories
Classification: Likely benign. Last evaluated: 2020-01-31. Review status: criteria provided, single submitter. Criteria: ARUP Molecular Germline Variant Investigation Process. Collection method: clinical testing. Allele origin: germline.

NM_000257.4(MYH7):c.2118G>A (p.Arg706=)

Gene: MYH7 (myosin heavy chain 7; minus strand). Cytogenetic location: 14q11.2.
Variant type: single nucleotide variant.
Coding change: c.2118G>A on transcript NM_000257.4 (MANE Select); coding-DNA position 2118, G replaced by A.
Protein change: p.Arg706=; no amino-acid change (arginine 706 retained).
Molecular consequence: synonymous variant.
Genome position (GRCh38, 1-based): chr14:23,426,008, C>T on the plus strand (G>A on the coding strand, the complement: MYH7 is on the minus strand). VCF-style: chr14-23426008-C-T. GRCh37 (hg19) VCF-style: chr14-23895217-C-T.
Other names: p.Arg706=.
Identifiers: ClinVar variation 995665 (VCV000995665.9), dbSNP rs3181426, ClinGen allele CA485766882.